The following is an entry in ClinVar:

NM_006118.4(HAX1):c.377G>A (p.Arg126Gln)

Gene: HAX1 (HCLS1 associated protein X-1; plus strand). Cytogenetic location: 1q21.3.
Variant type: single nucleotide variant.
Coding change: c.377G>A on transcript NM_006118.4 (MANE Select); coding-DNA position 377, G replaced by A.
Protein change: p.Arg126Gln; replaces arginine 126 with glutamine.
Molecular consequence: missense variant.
Genome position (GRCh38, 1-based): chr1:154,273,834, G>A. VCF-style: chr1-154273834-G-A. GRCh37 (hg19) VCF-style: chr1-154246310-G-A.
Other names: c.233G>A, p.Arg78Gln (NM_001018837.2); short protein forms R126Q, R78Q.
Identifiers: ClinVar variation 964429 (VCV000964429.8), dbSNP rs147036748, ClinGen allele CA1127335.
Genomic context (GRCh38, chr1:154,273,834, plus strand): 5'-AACTTCCAGGTCCTGAGTCAGAGACACCTGGTGAGAGACTACGGGAGGGACAGACACTTC[G>A]GGACTCAATGCTTAAGTATCCAGATAGTCACCAGCCCAGGATCTTTGGGGGGGTCTTGGA-3'
Protein context (NP_006109.2, residues 116-136): GERLREGQTL[Arg126Gln]DSMLKYPDSH

ClinVar aggregate classification (germline): Uncertain significance. Review status: criteria provided, multiple submitters, no conflicts (2 of 4 stars). 2 submissions from 2 submitters: Uncertain significance (2). Last evaluated 2025-09-26.

Conditions:
Inborn genetic diseases. Identifiers: MedGen C0950123, MeSH D030342.
Kostmann syndrome (SCN3). Also called: KOSTMANN DISEASE; Autosomal recessive severe congenital neutropenia type 3. Identifiers: Orphanet 99749, MedGen C5235141, MONDO:0012548, OMIM 610738.

Allele frequency attached by ClinVar (database versions not stated): gnomAD below 0.00001 and 0.00001; gnomAD exomes 0.00004; ExAC 0.00005; ESP Exome Variant Server 0.00008.

Submissions (2):

Ambry Genetics
Classification: Uncertain significance for Inborn genetic diseases. Last evaluated: 2025-09-26. Review status: criteria provided, single submitter. Criteria: Ambry Variant Classification Scheme 2023. Collection method: clinical testing. Allele origin: germline.

Labcorp Genetics (formerly Invitae), Labcorp
Classification: Uncertain significance for Kostmann syndrome. Last evaluated: 2021-08-30. Review status: criteria provided, single submitter. Criteria: Invitae Variant Classification Sherloc (09022015). Collection method: clinical testing. Allele origin: germline.
Comment: This sequence change replaces arginine with glutamine at codon 126 of the HAX1 protein (p.Arg126Gln). The arginine residue is highly conserved and there is a small physicochemical difference between arginine and glutamine. This variant is present in population databases (rs147036748, ExAC 0.03%). This variant has not been reported in the literature in individuals affected with HAX1-related conditions. Algorithms developed to predict the effect of missense changes on protein structure and function are either unavailable or do not agree on the potential impact of this missense change (SIFT: "Tolerated"; PolyPhen-2: "Probably Damaging"; Align-GVGD: "Class C0"). In summary, the available evidence is currently insufficient to determine the role of this variant in disease. Therefore, it has been classified as a Variant of Uncertain Significance.